The following is an entry in ClinVar:

NM_001105206.3(LAMA4):c.1479C>A (p.Asp493Glu)

Gene: LAMA4 (laminin subunit alpha 4; minus strand). Cytogenetic location: 6q21.
Variant type: single nucleotide variant.
Coding change: c.1479C>A on transcript NM_001105206.3 (MANE Select); coding-DNA position 1479, C replaced by A.
Protein change: p.Asp493Glu; replaces aspartic acid 493 with glutamic acid.
Molecular consequence: missense variant.
Genome position (GRCh38, 1-based): chr6:112,172,683, G>T on the plus strand (C>A on the coding strand, the complement: LAMA4 is on the minus strand). VCF-style: chr6-112172683-G-T. GRCh37 (hg19) VCF-style: chr6-112493885-G-T.
Other names: c.1458C>A, p.Asp486Glu (NM_001105207.3, NM_002290.5); short protein forms D486E, D493E.
Identifiers: ClinVar variation 3666738 (VCV003666738.2).

ClinVar aggregate classification (germline): Uncertain significance (1 of 4 stars; one submission).

Conditions:
Dilated cardiomyopathy 1JJ (CMD1JJ). Identifiers: Orphanet 154, MedGen C3808935, MONDO:0014095, OMIM 615235.

gnomAD v4.1: 1 of 1,613,792 alleles (0.000062%); highest among the groups gnomAD compares: African/African-American, 0.0013%; no homozygotes.

Submission:

Labcorp Genetics (formerly Invitae), Labcorp
Classification: Uncertain significance for Dilated cardiomyopathy 1JJ. Last evaluated: 2024-10-03. Review status: criteria provided, single submitter. Criteria: Invitae Variant Classification Sherloc (09022015). Collection method: clinical testing. Allele origin: germline.
Comment: This sequence change replaces aspartic acid, which is acidic and polar, with glutamic acid, which is acidic and polar, at codon 486 of the LAMA4 protein (p.Asp486Glu). This variant is not present in population databases (gnomAD no frequency). This variant has not been reported in the literature in individuals affected with LAMA4-related conditions. Invitae Evidence Modeling of protein sequence and biophysical properties (such as structural, functional, and spatial information, amino acid conservation, physicochemical variation, residue mobility, and thermodynamic stability) indicates that this missense variant is not expected to disrupt LAMA4 protein function with a negative predictive value of 80%. In summary, the available evidence is currently insufficient to determine the role of this variant in disease. Therefore, it has been classified as a Variant of Uncertain Significance.